The following is an entry in ClinVar:

NM_001040108.2(MLH3):c.1856A>T (p.Lys619Ile)

Gene: MLH3 (mutL homolog 3; minus strand). Cytogenetic location: 14q24.3.
Variant type: single nucleotide variant.
Coding change: c.1856A>T on transcript NM_001040108.2 (MANE Select); coding-DNA position 1856, A replaced by T.
Protein change: p.Lys619Ile; replaces lysine 619 with isoleucine.
Molecular consequence: missense variant.
Genome position (GRCh38, 1-based): chr14:75,047,800, T>A on the plus strand (A>T on the coding strand, the complement: MLH3 is on the minus strand). VCF-style: chr14-75047800-T-A. GRCh37 (hg19) VCF-style: chr14-75514503-T-A.
Other names: c.1856A>T, p.Lys619Ile (NM_014381.3); short protein forms K619I.
Identifiers: ClinVar variation 2561653 (VCV002561653.8), dbSNP rs751984694, ClinGen allele CA7275804.

ClinVar aggregate classification (germline): Uncertain significance. Review status: criteria provided, multiple submitters, no conflicts (2 of 4 stars). 4 submissions from 4 submitters: Uncertain significance (4). Last evaluated 2025-10-22.

Conditions:
Endometrial carcinoma. Also called: Endometrial carcinoma, somatic. Identifiers: MedGen C0476089, MONDO:0002447, OMIM 608089, HP:0012114.
Colorectal cancer, hereditary nonpolyposis, type 7. Identifiers: Orphanet 144, MedGen C1858380, MONDO:0013725, OMIM 614385.
Colorectal cancer. Also called: Colorectal cancer, somatic; Malignant Colorectal Neoplasm. Identifiers: MedGen C0346629, MONDO:0005575, OMIM 114500.

Allele frequency attached by ClinVar (database versions not stated): gnomAD exomes below 0.00001; TOPMed below 0.00001; ExAC 0.00001.

Submissions (4):

Ambry Genetics
Classification: Uncertain significance. Last evaluated: 2025-10-22. Review status: criteria provided, single submitter. Criteria: Ambry Variant Classification Scheme 2023. Collection method: clinical testing. Allele origin: germline.
Comment: The p.K619I variant (also known as c.1856A>T), located in coding exon 1 of the MLH3 gene, results from an A to T substitution at nucleotide position 1856. The lysine at codon 619 is replaced by isoleucine, an amino acid with dissimilar properties. This amino acid position is poorly conserved in available vertebrate species. In addition, this alteration is predicted to be tolerated by in silico analysis. The evidence for this gene-disease relationship is limited; therefore, the clinical significance of this alteration is unclear.

Blueprint Genetics
Classification: Uncertain significance. Last evaluated: 2024-07-26. Review status: criteria provided, single submitter. Criteria: ACMG Guidelines, 2015. Collection method: clinical testing. Allele origin: germline.

Labcorp Genetics (formerly Invitae), Labcorp
Classification: Uncertain significance for Colorectal cancer, hereditary nonpolyposis, type 7. Last evaluated: 2024-03-06. Review status: criteria provided, single submitter. Criteria: Invitae Variant Classification Sherloc (09022015). Collection method: clinical testing. Allele origin: germline.
Comment: This sequence change replaces lysine, which is basic and polar, with isoleucine, which is neutral and non-polar, at codon 619 of the MLH3 protein (p.Lys619Ile). This variant is present in population databases (rs751984694, gnomAD 0.003%). This variant has not been reported in the literature in individuals affected with MLH3-related conditions. ClinVar contains an entry for this variant (Variation ID: 2561653). An algorithm developed to predict the effect of missense changes on protein structure and function (PolyPhen-2) suggests that this variant is likely to be disruptive. In summary, the available evidence is currently insufficient to determine the role of this variant in disease. Therefore, it has been classified as a Variant of Uncertain Significance.

Fulgent Genetics
Classification: Uncertain significance for Colorectal cancer; Endometrial carcinoma; Colorectal cancer, hereditary nonpolyposis, type 7. Last evaluated: 2024-01-18. Review status: criteria provided, single submitter. Criteria: ACMG Guidelines, 2015. Collection method: clinical testing. Allele origin: germline.